The following is an entry in ClinVar:

ClinVar aggregate classification (germline): Uncertain significance (1 of 4 stars; one submission).

Conditions:
Epidermolysis bullosa simplex with nail dystrophy (EBS5D). Identifiers: MedGen C4225309, MONDO:0014661, OMIM 616487.
Epidermolysis bullosa simplex, Ogna type (EBS5A). Also called: Pidermolysis bullosa simplex 5A, Ogna type; EPIDERMOLYSIS BULLOSA SIMPLEX 5A, OGNA TYPE. Identifiers: Orphanet 79401, MedGen C0432317, MONDO:0007555, OMIM 131950.
Autosomal recessive limb-girdle muscular dystrophy type 2Q (LGMDR17). Also called: MUSCULAR DYSTROPHY, LIMB-GIRDLE, AUTOSOMAL RECESSIVE 17. Identifiers: Orphanet 254361, MedGen C3150989, MONDO:0013390, OMIM 613723.
Epidermolysis bullosa simplex 5B, with muscular dystrophy (EBS5B). Also called: EPIDERMOLYSIS BULLOSA SIMPLEX AND LIMB-GIRDLE MUSCULAR DYSTROPHY; Epidermolysis bullosa simplex with muscular dystrophy. Identifiers: Orphanet 257, MedGen C2931072, MONDO:0009181, OMIM 226670.
Epidermolysis bullosa simplex 5C, with pyloric atresia (EBS5C). Also called: PLEC-Related Epidermolysis Bullosa with Pyloric Atresia; Epidermolysis bullosa simplex with pyloric atresia; PLEC1-Related Epidermolysis Bullosa with Pyloric Atresia. Identifiers: Orphanet 158684, MedGen C2677349, MONDO:0012807, OMIM 612138.

Submission:

Labcorp Genetics (formerly Invitae), Labcorp
Classification: Uncertain significance for Autosomal recessive limb-girdle muscular dystrophy type 2Q; Epidermolysis bullosa simplex, Ogna type; Epidermolysis bullosa simplex with nail dystrophy; Epidermolysis bullosa simplex 5C, with pyloric atresia; Epidermolysis bullosa simplex 5B, with muscular dystrophy. Last evaluated: 2024-01-25. Review status: criteria provided, single submitter. Criteria: Invitae Variant Classification Sherloc (09022015). Collection method: clinical testing. Allele origin: germline.
Comment: This sequence change replaces glutamic acid, which is acidic and polar, with glutamine, which is neutral and polar, at codon 2007 of the PLEC protein (p.Glu2007Gln). This variant is not present in population databases (gnomAD no frequency). This variant has not been reported in the literature in individuals affected with PLEC-related conditions. Experimental studies and prediction algorithms are not available or were not evaluated, and the functional significance of this variant is currently unknown. In summary, the available evidence is currently insufficient to determine the role of this variant in disease. Therefore, it has been classified as a Variant of Uncertain Significance.

NM_201384.3(PLEC):c.5938G>C (p.Glu1980Gln)

Gene: PLEC (plectin; minus strand). Cytogenetic location: 8q24.3.
Variant type: single nucleotide variant.
Coding change: c.5938G>C on transcript NM_201384.3 (MANE Select); coding-DNA position 5938, G replaced by C.
Protein change: p.Glu1980Gln; replaces glutamic acid 1980 with glutamine.
Molecular consequence: missense variant. On other transcripts: intron variant (1).
Genome position (GRCh38, 1-based): chr8:143,923,991, C>G on the plus strand (G>C on the coding strand, the complement: PLEC is on the minus strand). VCF-style: chr8-143923991-C-G. GRCh37 (hg19) VCF-style: chr8-144998159-C-G.
Other names: c.6019G>C, p.Glu2007Gln (NM_000445.5); c.5896G>C, p.Glu1966Gln (NM_201378.4); c.5872G>C, p.Glu1958Gln (NM_201379.3); c.6349G>C, p.Glu2117Gln (NM_201380.4); c.5842G>C, p.Glu1948Gln (NM_201381.3); c.5938G>C, p.Glu1980Gln (NM_201382.4); c.5950G>C, p.Glu1984Gln (NM_201383.3); c.4126-1596G>C (NM_001410941.1); short protein forms E1958Q, E1984Q, E2117Q, E1966Q, E2007Q, E1948Q, E1980Q.
Identifiers: ClinVar variation 2946921 (VCV002946921.3), dbSNP rs782334814, ClinGen allele CA372540675.